The following is an entry in ClinVar:

ClinVar aggregate classification (germline): Conflicting classifications of pathogenicity. Review status: criteria provided, conflicting classifications (1 of 4 stars). 8 submissions from 8 submitters: Uncertain significance (5); Benign (1); Likely benign (1). 1 of the submissions does not count toward it. Last evaluated 2026-09-30.

Conditions:
COL6A3-related phenotype.
Collagen 6-related myopathy. Identifiers: MedGen CN117976, MONDO:0100225.
Bethlem myopathy 1A. Also called: Bethlem myopathy 1; MYOPATHY, BENIGN CONGENITAL, WITH CONTRACTURES; Bethlem Muscular Dystrophy. Identifiers: Orphanet 610, MedGen CN029274, MONDO:0024530, OMIM 158810.

Allele frequency attached by ClinVar (database versions not stated): gnomAD 0.00002 and 0.00004; gnomAD exomes 0.00002 and 0.00005; TOPMed 0.00002; ExAC 0.00003; 1000 Genomes Project 30x 0.00016; 1000 Genomes Project 0.00020.
gnomAD v4.1: 79 of 1,613,908 alleles (0.0049%); highest among the groups gnomAD compares: Non-Finnish European, 0.0063%; no homozygotes.

Submissions (8):

GeneDx
Classification: Uncertain significance. Last evaluated: 2026-09-30. Review status: criteria provided, single submitter. Criteria: GeneDx Variant Classification Process June 2021. Collection method: clinical testing. Allele origin: germline.
Comment: Reported in an individual with Down syndrome and atrioventricular septal defect (PMID: 23040494); In silico analysis supports that this missense variant has a deleterious effect on protein structure/function; This variant is associated with the following publications: (PMID: 23040494)

CeGaT Center for Human Genetics Tuebingen
Classification: Uncertain significance. Last evaluated: 2025-07-01. Review status: criteria provided, single submitter. Criteria: CeGaT Center For Human Genetics Tuebingen Variant Classification Criteria Version 2. Collection method: clinical testing. Allele origin: germline. Affected: yes. Observed: 1 variant allele.
Comment: COL6A3: PM2

Labcorp Genetics (formerly Invitae), Labcorp
Classification: Benign for Bethlem myopathy 1A. Last evaluated: 2025-05-19. Review status: criteria provided, single submitter. Criteria: Invitae Variant Classification Sherloc (09022015). Collection method: clinical testing. Allele origin: germline.

Revvity Omics, Revvity
Classification: Uncertain significance. Last evaluated: 2021-05-24. Review status: criteria provided, single submitter. Criteria: ACMG Guidelines, 2015. Collection method: clinical testing. Allele origin: germline.

Blueprint Genetics
Classification: Uncertain significance. Last evaluated: 2020-06-09. Review status: criteria provided, single submitter. Criteria: ACMG Guidelines, 2015. Collection method: clinical testing. Allele origin: germline.

Illumina Laboratory Services, Illumina
Classification: Likely benign for Collagen VI-related myopathy. Last evaluated: 2018-01-13. Review status: criteria provided, single submitter. Criteria: ICSL Variant Classification Criteria 13 December 2019. Collection method: clinical testing. Allele origin: germline.
Comment: This variant was observed in the ICSL laboratory as part of a predisposition screen in an ostensibly healthy population. It had not been previously curated by ICSL or reported in the Human Gene Mutation Database (HGMD: prior to June 1st, 2018), and was therefore a candidate for classification through an automated scoring system. Utilizing variant allele frequency, disease prevalence and penetrance estimates, and inheritance mode, an automated score was calculated to assess if this variant is too frequent to cause the disease. Based on the score and internal cut-off values, a variant classified as likely benign is not then subjected to further curation. The score for this variant resulted in a classification of likely benign for this disease.

Eurofins Ntd Llc (ga)
Classification: Uncertain significance. Last evaluated: 2015-09-11. Review status: criteria provided, single submitter. Criteria: EGL Classification Definitions 2015. Collection method: clinical testing. Allele origin: germline. Observed: 1 variant allele, 1 heterozygote.

Biochemical Molecular Genetic Laboratory, King Abdulaziz Medical City
Classification: Uncertain significance for COL6A3-related phenotype. Last evaluated: 2019-08-25. Review status: no assertion criteria provided. Collection method: clinical testing. Allele origin: germline. Affected: yes. Not counted in ClinVar's aggregate classification.

NM_004369.4(COL6A3):c.1216C>T (p.Arg406Cys)

Gene: COL6A3 (collagen type VI alpha 3 chain; minus strand). Cytogenetic location: 2q37.3.
Variant type: single nucleotide variant.
Coding change: c.1216C>T on transcript NM_004369.4 (MANE Select); coding-DNA position 1216, C replaced by T.
Protein change: p.Arg406Cys; replaces arginine 406 with cysteine.
Molecular consequence: missense variant. On other transcripts: intron variant (2).
Genome position (GRCh38, 1-based): chr2:237,387,678, G>A on the plus strand (C>T on the coding strand, the complement: COL6A3 is on the minus strand). VCF-style: chr2-237387678-G-A. GRCh37 (hg19) VCF-style: chr2-238296321-G-A.
Other names: c.598C>T, p.Arg200Cys (NM_057165.5, NM_057167.4); c.92-6179C>T (NM_057166.5, NM_057164.5); short protein forms R406C, R200C.
Identifiers: ClinVar variation 283279 (VCV000283279.32), dbSNP rs112817175, ClinGen allele CA2189681.